The following is an entry in ClinVar:

NM_002334.4(LRP4):c.2559C>T (p.Leu853=)

Gene: LRP4 (LDL receptor related protein 4; minus strand). Cytogenetic location: 11p11.2.
Variant type: single nucleotide variant.
Coding change: c.2559C>T on transcript NM_002334.4 (MANE Select); coding-DNA position 2559, C replaced by T.
Protein change: p.Leu853=; no amino-acid change (leucine 853 retained).
Molecular consequence: synonymous variant.
Genome position (GRCh38, 1-based): chr11:46,883,924, G>A on the plus strand (C>T on the coding strand, the complement: LRP4 is on the minus strand). VCF-style: chr11-46883924-G-A. GRCh37 (hg19) VCF-style: chr11-46905475-G-A.
Identifiers: ClinVar variation 3034733 (VCV003034733.2), dbSNP rs746391087, ClinGen allele CA5969861.
Genomic context (GRCh38, chr11:46,883,924, plus strand): 5'-CACTCACCCGCCCATGGGTTCCACCACGATGTCCCGAGGACGATCAAGGTTCTCCCAGAT[G>A]AGTACTGTTCTCATGCTGCCATCTGTGTTGGCTACTTCAATCCGGTCTGTACCTATCAAG-3'
Protein context (NP_002325.2, residues 843-863): ANTDGSMRTV[Leu853=]IWENLDRPRD

ClinVar aggregate classification (germline): Likely benign (0 of 4 stars; one submission).

Conditions:
LRP4-related disorder. Also called: LRP4-related condition.

Allele frequency attached by ClinVar (database versions not stated): TOPMed below 0.00001; ExAC 0.00001.
gnomAD v4.1: 4 of 1,614,246 alleles (0.00025%); highest among the groups gnomAD compares: Non-Finnish European, 0.00034%; no homozygotes.

Submission:

PreventionGenetics, part of Exact Sciences
Classification: Likely benign for LRP4-related condition. Last evaluated: 2019-08-09. Review status: no assertion criteria provided. Collection method: clinical testing. Allele origin: germline.
Comment: This variant is classified as likely benign based on ACMG/AMP sequence variant interpretation guidelines (Richards et al. 2015 PMID: 25741868, with internal and published modifications).